The following is an entry in ClinVar:

NM_006017.3(PROM1):c.749T>C (p.Ile250Thr)

Gene: PROM1 (prominin 1; minus strand). Cytogenetic location: 4p15.32.
Variant type: single nucleotide variant.
Coding change: c.749T>C on transcript NM_006017.3 (MANE Select); coding-DNA position 749, T replaced by C.
Protein change: p.Ile250Thr; replaces isoleucine 250 with threonine.
Molecular consequence: missense variant.
Genome position (GRCh38, 1-based): chr4:16,023,361, A>G on the plus strand (T>C on the coding strand, the complement: PROM1 is on the minus strand). VCF-style: chr4-16023361-A-G. GRCh37 (hg19) VCF-style: chr4-16024984-A-G.
Other names: c.722T>C, p.Ile241Thr (NM_001145847.2, NM_001145848.2, NM_001145851.2 and 4 more transcripts); c.749T>C, p.Ile250Thr (NM_001145849.2, NM_001145850.2); short protein forms I250T, I241T.
Identifiers: ClinVar variation 2483316 (VCV002483316.5), dbSNP rs1393038829, ClinGen allele CA356422774.

ClinVar aggregate classification (germline): Uncertain significance. Review status: criteria provided, multiple submitters, no conflicts (2 of 4 stars). 2 submissions from 2 submitters: Uncertain significance (2). Last evaluated 2025-08-06.

Conditions:
Inborn genetic diseases. Identifiers: MedGen C0950123, MeSH D030342.

Allele frequency attached by ClinVar (database versions not stated): gnomAD 0.00001; TOPMed 0.00001.
gnomAD v4.1: 7 of 1,607,792 alleles (0.00044%); highest among the groups gnomAD compares: African/African-American, 0.0067%; no homozygotes.

Submissions (2):

Ambry Genetics
Classification: Uncertain significance for Inborn genetic diseases. Last evaluated: 2025-08-06. Review status: criteria provided, single submitter. Criteria: Ambry Variant Classification Scheme 2023. Collection method: clinical testing. Allele origin: germline.

Labcorp Genetics (formerly Invitae), Labcorp
Classification: Uncertain significance. Last evaluated: 2025-01-28. Review status: criteria provided, single submitter. Criteria: Invitae Variant Classification Sherloc (09022015). Collection method: clinical testing. Allele origin: germline.
Comment: This sequence change replaces isoleucine, which is neutral and non-polar, with threonine, which is neutral and polar, at codon 250 of the PROM1 protein (p.Ile250Thr). The frequency data for this variant in the population databases is considered unreliable, as metrics indicate poor data quality at this position in the gnomAD database. This variant has not been reported in the literature in individuals affected with PROM1-related conditions. ClinVar contains an entry for this variant (Variation ID: 2483316). Invitae Evidence Modeling of protein sequence and biophysical properties (such as structural, functional, and spatial information, amino acid conservation, physicochemical variation, residue mobility, and thermodynamic stability) indicates that this missense variant is not expected to disrupt PROM1 protein function with a negative predictive value of 80%. In summary, the available evidence is currently insufficient to determine the role of this variant in disease. Therefore, it has been classified as a Variant of Uncertain Significance.